The following is an entry in ClinVar:

ClinVar aggregate classification (germline): Likely benign. Review status: criteria provided, multiple submitters, no conflicts (2 of 4 stars). 3 submissions from 3 submitters: Likely benign (2). 1 of the submissions does not count toward it. Last evaluated 2026-01-27.

Conditions:
TICAM1-related disorder. Also called: TICAM1-related condition.
Encephalopathy, acute, infection-induced (herpes-specific), susceptibility to, 6. Also called: Herpes simplex encephalitis, susceptibility to, 4. Identifiers: Orphanet 1930, MedGen C3553869, MONDO:0013921, OMIM 614850.

Allele frequency attached by ClinVar (database versions not stated): gnomAD exomes 0.00059 and 0.00048; 1000 Genomes Project 30x 0.00016; 1000 Genomes Project 0.00020; gnomAD 0.00042 and 0.00040; TOPMed 0.00042; ExAC 0.00061; ESP Exome Variant Server 0.00046.
gnomAD v4.1: 775 of 1,613,604 alleles (0.048%); highest among the groups gnomAD compares: South Asian, 0.11%; 1 homozygote.

Submissions (3):

Labcorp Genetics (formerly Invitae), Labcorp
Classification: Likely benign for Encephalopathy, acute, infection-induced (herpes-specific), susceptibility to, 6. Last evaluated: 2026-01-27. Review status: criteria provided, single submitter. Criteria: Invitae Variant Classification Sherloc (09022015). Collection method: clinical testing. Allele origin: germline.

Blueprint Genetics
Classification: Likely benign. Last evaluated: 2024-11-19. Review status: criteria provided, single submitter. Criteria: ACMG Guidelines, 2015. Collection method: clinical testing. Allele origin: germline.

PreventionGenetics, part of Exact Sciences
Classification: Likely benign for TICAM1-related condition. Last evaluated: 2024-07-02. Review status: no assertion criteria provided. Collection method: clinical testing. Allele origin: germline. Not counted in ClinVar's aggregate classification.
Comment: This variant is classified as likely benign based on ACMG/AMP sequence variant interpretation guidelines (Richards et al. 2015 PMID: 25741868, with internal and published modifications).

NM_182919.4(TICAM1):c.1792G>T (p.Gly598Trp)

Gene: TICAM1 (TIR domain containing adaptor molecule 1; minus strand). Cytogenetic location: 19p13.3.
Variant type: single nucleotide variant.
Coding change: c.1792G>T on transcript NM_182919.4 (MANE Select); coding-DNA position 1792, G replaced by T.
Protein change: p.Gly598Trp; replaces glycine 598 with tryptophan.
Molecular consequence: missense variant.
Genome position (GRCh38, 1-based): chr19:4,816,586, C>A on the plus strand (G>T on the coding strand, the complement: TICAM1 is on the minus strand). VCF-style: chr19-4816586-C-A. GRCh37 (hg19) VCF-style: chr19-4816598-C-A.
Other names: c.1750G>T, p.Gly584Trp (NM_001385678.1); c.1657G>T, p.Gly553Trp (NM_001385679.1); c.1150G>T, p.Gly384Trp (NM_001385680.1); short protein forms G598W, G384W, G553W, G584W.
Identifiers: ClinVar variation 739630 (VCV000739630.13), dbSNP rs150224968, ClinGen allele CA9105069.